The following is an entry in ClinVar:

ClinVar aggregate classification (germline): Likely benign. Review status: criteria provided, multiple submitters, no conflicts (2 of 4 stars). 4 submissions from 4 submitters: Likely benign (4). Last evaluated 2025-11-24.

Conditions:
Brachydactyly type B1 (BDB1). Identifiers: Orphanet 572385, Orphanet 93383, MedGen C1862112, MONDO:0007220, OMIM 113000.
Autosomal recessive Robinow syndrome (RRS1). Also called: ROR2-Related Robinow Syndrome; COSTOVERTEBRAL SEGMENTATION DEFECT WITH MESOMELIA; COVESDEM SYNDROME; ROBINOW SYNDROME, AUTOSOMAL RECESSIVE 1. Identifiers: Orphanet 1507, Orphanet 97360, MedGen C5399974, MONDO:0009999, OMIM 268310.

Allele frequency attached by ClinVar (database versions not stated): gnomAD 0.00016 and 0.00017; ExAC 0.00018; gnomAD exomes 0.00021; TOPMed 0.00025; 1000 Genomes Project 0.00040; 1000 Genomes Project 30x 0.00047; ESP Exome Variant Server 0.00062.
gnomAD v4.1: 482 of 1,614,230 alleles (0.03%); highest among the groups gnomAD compares: Non-Finnish European, 0.037%; no homozygotes.

Submissions (4):

Labcorp Genetics (formerly Invitae), Labcorp
Classification: Likely benign. Last evaluated: 2025-11-24. Review status: criteria provided, single submitter. Criteria: Invitae Variant Classification Sherloc (09022015). Collection method: clinical testing. Allele origin: germline.

Blueprint Genetics
Classification: Likely benign. Last evaluated: 2024-11-22. Review status: criteria provided, single submitter. Criteria: ACMG Guidelines, 2015. Collection method: clinical testing. Allele origin: germline.

CeGaT Center for Human Genetics Tuebingen
Classification: Likely benign. Last evaluated: 2024-07-01. Review status: criteria provided, single submitter. Criteria: CeGaT Center For Human Genetics Tuebingen Variant Classification Criteria Version 2. Collection method: clinical testing. Allele origin: germline. Affected: yes. Observed: 1 variant allele.
Comment: ROR2: BP4, BP7

Fulgent Genetics
Classification: Likely benign for Brachydactyly type B1; Autosomal recessive Robinow syndrome. Last evaluated: 2022-04-14. Review status: criteria provided, single submitter. Criteria: ACMG Guidelines, 2015. Collection method: clinical testing. Allele origin: unknown.

NM_004560.4(ROR2):c.525G>A (p.Gln175=)

Gene: ROR2 (ROR family WNT receptor 2; minus strand). Cytogenetic location: 9q22.31.
Variant type: single nucleotide variant.
Coding change: c.525G>A on transcript NM_004560.4 (MANE Select); coding-DNA position 525, G replaced by A.
Protein change: p.Gln175=; no amino-acid change (glutamine 175 retained).
Molecular consequence: synonymous variant.
Genome position (GRCh38, 1-based): chr9:91,737,488, C>T on the plus strand (G>A on the coding strand, the complement: ROR2 is on the minus strand). VCF-style: chr9-91737488-C-T. GRCh37 (hg19) VCF-style: chr9-94499770-C-T.
Other names: c.525G>A, p.Gln175= (NM_001318204.2).
Identifiers: ClinVar variation 761017 (VCV000761017.29), dbSNP rs147616624, ClinGen allele CA5120983.